The following is an entry in ClinVar:

NM_001253697.2(ERBIN):c.189+56A>G

Gene: ERBIN (erbb2 interacting protein; plus strand). Cytogenetic location: 5q12.3.
Variant type: single nucleotide variant.
Coding change: c.189+56A>G on transcript NM_001253697.2 (MANE Select); 56 bases into the intron after coding-DNA position 189, A replaced by G.
Molecular consequence: intron variant.
Genome position (GRCh38, 1-based): chr5:65,992,963, A>G. VCF-style: chr5-65992963-A-G. GRCh37 (hg19) VCF-style: chr5-65288791-A-G.
Other names: NC_000005.9:g.65288791A>G; c.189+56A>G (NM_001253699.2, NM_018695.4, NM_001253698.2 and 2 more transcripts).
Identifiers: ClinVar variation 2688529 (VCV002688529.3), dbSNP rs27132, ClinGen allele CA12027923.
Genomic context (GRCh38, chr5:65,992,963, plus strand): 5'-CAAAGGTATGCTAATACTTTCTTTCAAGAATTATCTTTGGTTATTTTTATATCTAGAAAT[A>G]TGATATTCCTAATATTGCTATAAAGTTGCCAATATATTTGTGTGGTTGAATTTTTTGGTT-3'

ClinVar aggregate classification (germline): Benign (1 of 4 stars; one submission).

Allele frequency attached by ClinVar (database versions not stated): 1000 Genomes Project 30x 0.67130; TOPMed 0.70646; gnomAD exomes 0.84438; 1000 Genomes Project 0.67312; gnomAD 0.73366.
gnomAD v4.1: 1,099,613 of 1,324,130 alleles (83%); highest among the groups gnomAD compares: Non-Finnish European, 87%; 463,569 homozygotes.

Submissions (2):

Unidad de Genómica Garrahan, Hospital de Pediatría Garrahan
Classification: Benign. Last evaluated: 2024-01-24. Review status: criteria provided, single submitter. Criteria: ACMG Guidelines, 2015. Collection method: clinical testing. Allele origin: germline. Affected: no. Observed: 79 variant alleles.
Comment: This variant is classified as Benign based on local population frequency. This variant was detected in 90% of patients studied by a panel of primary immunodeficiencies. Number of patients: 79. Only high quality variants are reported.

Dr. Peter K. Rogan Lab, Western University
No classification provided (evidence only). Condition: Hepatocellular carcinoma. Review status: no classification provided. Collection method: in vitro. Allele origin: not applicable. Functional consequence: retained intron. Not counted in ClinVar's aggregate classification.